The following is an entry in ClinVar:

ClinVar aggregate classification (germline): Uncertain significance (1 of 4 stars; one submission).

Conditions:
Neurofibromatosis, type 1 (NF1). Also called: NEUROFIBROMATOSIS, TYPE I, SOMATIC; VON RECKLINGHAUSEN DISEASE; Peripheral type neurofibromatosis; Neurofibromatosis, type I. Identifiers: Orphanet 636, MedGen C0027831, MONDO:0018975, OMIM 162200. Disease mechanism: loss of function.

Submission:

Labcorp Genetics (formerly Invitae), Labcorp
Classification: Uncertain significance for Neurofibromatosis, type 1. Last evaluated: 2020-02-07. Review status: criteria provided, single submitter. Criteria: Invitae Variant Classification Sherloc (09022015). Collection method: clinical testing. Allele origin: germline.
Comment: In summary, the available evidence is currently insufficient to determine the role of this variant in disease. Therefore, it has been classified as a Variant of Uncertain Significance. Algorithms developed to predict the effect of missense changes on protein structure and function (SIFT, PolyPhen-2, Align-GVGD) all suggest that this variant is likely to be tolerated, but these predictions have not been confirmed by published functional studies and their clinical significance is uncertain. This variant has not been reported in the literature in individuals with NF1-related conditions. The frequency data for this variant in the population databases is considered unreliable, as metrics indicate insufficient coverage at this position in the ExAC database. This sequence change replaces tryptophan with leucine at codon 9 of the NF1 protein (p.Trp9Leu). The tryptophan residue is weakly conserved and there is a small physicochemical difference between tryptophan and leucine.

NM_001042492.3(NF1):c.26G>T (p.Trp9Leu)

Genes: MIR4733HG (MIR4733 host gene; minus strand), NF1 (neurofibromin 1; plus strand), LOC111811965 (NF1 (neurofibromin 1) promoter region; plus strand). Cytogenetic location: 17q11.2.
Variant type: single nucleotide variant.
Coding change: c.26G>T on transcript NM_001042492.3 (MANE Select); coding-DNA position 26, G replaced by T.
Protein change: p.Trp9Leu; replaces tryptophan 9 with leucine.
Molecular consequence: missense variant. On other transcripts: non-coding transcript variant (1).
Genome position (GRCh38, 1-based): chr17:31,095,335, G>T. VCF-style: chr17-31095335-G-T. GRCh37 (hg19) VCF-style: chr17-29422353-G-T.
Other names: c.26G>T, p.Trp9Leu (NM_000267.4, NM_001128147.3); short protein forms W9L.
Identifiers: ClinVar variation 1034566 (VCV001034566.5), dbSNP rs1567786829, ClinGen allele CA398979262.